The following is an entry in ClinVar:

NM_003070.5(SMARCA2):c.246C>A (p.Asp82Glu)

Gene: SMARCA2 (SWI/SNF related BAF chromatin remodeling complex subunit ATPase 2; plus strand). Cytogenetic location: 9p24.3.
Variant type: single nucleotide variant.
Coding change: c.246C>A on transcript NM_003070.5 (MANE Select); coding-DNA position 246, C replaced by A.
Protein change: p.Asp82Glu; replaces aspartic acid 82 with glutamic acid.
Molecular consequence: missense variant.
Genome position (GRCh38, 1-based): chr9:2,032,972, C>A. VCF-style: chr9-2032972-C-A. GRCh37 (hg19) VCF-style: chr9-2032972-C-A.
Other names: c.246C>A, p.Asp82Glu (NM_001289396.2, NM_001289397.2, NM_139045.4); short protein forms D82E.
Identifiers: ClinVar variation 3359996 (VCV003359996.1).

ClinVar aggregate classification (germline): Uncertain significance (1 of 4 stars; one submission).

Submission:

GeneDx
Classification: Uncertain significance. Last evaluated: 2023-06-15. Review status: criteria provided, single submitter. Criteria: GeneDx Variant Classification Process June 2021. Collection method: clinical testing. Allele origin: germline. Affected: yes.
Comment: Not observed at significant frequency in large population cohorts (gnomAD); In silico analysis supports that this missense variant does not alter protein structure/function; Has not been previously published as pathogenic or benign to our knowledge